The following is an entry in ClinVar:

ClinVar aggregate classification (germline): Uncertain significance (1 of 4 stars; one submission).

Submission:

GeneDx
Classification: Uncertain significance. Last evaluated: 2024-06-24. Review status: criteria provided, single submitter. Criteria: GeneDx Variant Classification Process June 2021. Collection method: clinical testing. Allele origin: germline. Affected: yes.
Comment: Not observed at significant frequency in large population cohorts (gnomAD); In silico analysis supports that this missense variant has a deleterious effect on protein structure/function; Has not been previously published as pathogenic or benign to our knowledge; Also known as p.(G809C)

NM_001243133.2(NLRP3):c.2425G>T (p.Gly809Cys)

Gene: NLRP3 (NLR family pyrin domain containing 3; plus strand). Cytogenetic location: 1q44.
Variant type: single nucleotide variant.
Coding change: c.2425G>T on transcript NM_001243133.2 (MANE Select); coding-DNA position 2425, G replaced by T.
Protein change: p.Gly809Cys; replaces glycine 809 with cysteine.
Molecular consequence: missense variant.
Genome position (GRCh38, 1-based): chr1:247,434,206, G>T. VCF-style: chr1-247434206-G-T. GRCh37 (hg19) VCF-style: chr1-247597508-G-T.
Other names: c.2425G>T, p.Gly809Cys (NM_001079821.3, NM_001127461.3); c.2254G>T, p.Gly752Cys (NM_001127462.3, NM_183395.3); c.2431G>T, p.Gly811Cys (NM_004895.5); short protein forms G752C, G809C, G811C.
Identifiers: ClinVar variation 3392744 (VCV003392744.1).
Genomic context (GRCh38, chr1:247,434,206, plus strand): 5'-TCCTTGGTCCTCAGCAGCAACCAGAAGCTGGTGGAGCTGGACCTGAGTGACAACGCCCTC[G>T]GTGACTTCGGAATCAGACTTCTGTGTGTGGGACTGAAGCACCTGTTGTGCAATCTGAAGA-3'
Protein context (NP_001230062.1, residues 799-819): VELDLSDNAL[Gly809Cys]DFGIRLLCVG